The following is an entry in ClinVar:

ClinVar aggregate classification (germline): Uncertain significance (1 of 4 stars; one submission).

Submission:

Labcorp Genetics (formerly Invitae), Labcorp
Classification: Uncertain significance. Last evaluated: 2023-11-19. Review status: criteria provided, single submitter. Criteria: Invitae Variant Classification Sherloc (09022015). Collection method: clinical testing. Allele origin: germline.
Comment: This sequence change replaces aspartic acid, which is acidic and polar, with glutamic acid, which is acidic and polar, at codon 61 of the COL18A1 protein (p.Asp61Glu). This variant is not present in population databases (gnomAD no frequency). This variant has not been reported in the literature in individuals affected with COL18A1-related conditions. ClinVar contains an entry for this variant (Variation ID: 1462069). Experimental studies and prediction algorithms are not available or were not evaluated, and the functional significance of this variant is currently unknown. In summary, the available evidence is currently insufficient to determine the role of this variant in disease. Therefore, it has been classified as a Variant of Uncertain Significance.

NM_001379500.1(COL18A1):c.183C>A (p.Asp61Glu)

Gene: COL18A1 (collagen type XVIII alpha 1 chain; plus strand). Cytogenetic location: 21q22.3.
Variant type: single nucleotide variant.
Coding change: c.183C>A on transcript NM_001379500.1 (MANE Select); coding-DNA position 183, C replaced by A.
Protein change: p.Asp61Glu; replaces aspartic acid 61 with glutamic acid.
Molecular consequence: missense variant.
Genome position (GRCh38, 1-based): chr21:45,468,318, C>A. VCF-style: chr21-45468318-C-A. GRCh37 (hg19) VCF-style: chr21-46888232-C-A.
Other names: c.723C>A, p.Asp241Glu (NM_030582.4); c.1428C>A, p.Asp476Glu (NM_130444.3); short protein forms D476E, D241E, D61E.
Identifiers: ClinVar variation 1462069 (VCV001462069.6), dbSNP rs2035289975, ClinGen allele CA410511519.